The following is an entry in ClinVar:

ClinVar aggregate classification (germline): Uncertain significance (1 of 4 stars; one submission).

Allele frequency attached by ClinVar (database versions not stated): TOPMed below 0.00001; gnomAD 0.00001.
gnomAD v4.1: 1 of 1,614,156 alleles (0.000062%); highest among the groups gnomAD compares: Non-Finnish European, 0.000085%; no homozygotes.

Submission:

GeneDx
Classification: Uncertain significance. Last evaluated: 2026-01-13. Review status: criteria provided, single submitter. Criteria: GeneDx Variant Classification Process June 2021. Collection method: clinical testing. Allele origin: germline. Affected: yes.
Comment: Not observed at significant frequency in large population cohorts (gnomAD); In silico analysis supports that this missense variant has a deleterious effect on protein structure/function; Has not been previously published as pathogenic or benign to our knowledge

NM_000257.4(MYH7):c.4563G>C (p.Lys1521Asn)

Genes: MHRT (myosin heavy chain associated RNA transcript; plus strand), MYH7 (myosin heavy chain 7; minus strand). Cytogenetic location: 14q11.2.
Variant type: single nucleotide variant.
Coding change: c.4563G>C on transcript NM_000257.4 (MANE Select); coding-DNA position 4563, G replaced by C.
Protein change: p.Lys1521Asn; replaces lysine 1521 with asparagine.
Molecular consequence: missense variant. On other transcripts: non-coding transcript variant (1).
Genome position (GRCh38, 1-based): chr14:23,416,949, C>G on the plus strand (G>C on the coding strand, the complement: MYH7 is on the minus strand). VCF-style: chr14-23416949-C-G. GRCh37 (hg19) VCF-style: chr14-23886158-C-G.
Other names: c.4563G>C, p.Lys1521Asn (NM_001407004.1); short protein forms K1521N.
Identifiers: ClinVar variation 2446623 (VCV002446623.2), dbSNP rs1426916207, ClinGen allele CA389038136.